The following is an entry in ClinVar:

NM_001376.5(DYNC1H1):c.2711A>G (p.Asp904Gly)

Gene: DYNC1H1 (dynein cytoplasmic 1 heavy chain 1; plus strand). Cytogenetic location: 14q32.31.
Variant type: single nucleotide variant.
Coding change: c.2711A>G on transcript NM_001376.5 (MANE Select); coding-DNA position 2711, A replaced by G.
Protein change: p.Asp904Gly; replaces aspartic acid 904 with glycine.
Molecular consequence: missense variant.
Genome position (GRCh38, 1-based): chr14:101,987,625, A>G. VCF-style: chr14-101987625-A-G. GRCh37 (hg19) VCF-style: chr14-102453962-A-G.
Other names: short protein forms D904G.
Identifiers: ClinVar variation 5017084 (VCV005017084.1).

ClinVar aggregate classification (germline): Uncertain significance (1 of 4 stars; one submission).

gnomAD v4.1: 2 of 1,614,154 alleles (0.00012%); highest among the groups gnomAD compares: Non-Finnish European, 0.00017%; no homozygotes.

Submission:

GeneDx
Classification: Uncertain significance. Last evaluated: 2026-03-24. Review status: criteria provided, single submitter. Criteria: GeneDx Variant Classification Process June 2021. Collection method: clinical testing. Allele origin: germline.
Comment: Not observed at significant frequency in large population cohorts (gnomAD); In silico analysis supports that this missense variant has a deleterious effect on protein structure/function; Has not been previously published as pathogenic or benign to our knowledge; This variant is associated with the following publications: (PMID: 25512093, 25609763, 26100331)